The following is an entry in ClinVar:

ClinVar aggregate classification (germline): Uncertain significance (1 of 4 stars; one submission).

Conditions:
Pilarowski-Bjornsson syndrome. Also called: DEVELOPMENTAL DELAY AND SPEECH APRAXIA WITH OR WITHOUT SEIZURES. Identifiers: Orphanet 529965, MedGen C4540131, MONDO:0060568, OMIM 617682.

Submission:

Foundation for Research in Genetics and Endocrinology, FRIGE's Institute of Human Genetics
Classification: Uncertain significance for Pilarowski-Bjornsson syndrome. Last evaluated: 2024-04-26. Review status: criteria provided, single submitter. Criteria: ACMG Guidelines, 2015. Collection method: clinical testing. Allele origin: germline. Inheritance: Autosomal dominant inheritance. Affected: yes. Observed: 1 heterozygote.
Comment: A heterozygous missense variant in exon 8 of the CHD1 gene that results in the amino acid substitution of Tyrosine for Aspartic acid at codon 356 (p.Asp356Tyr) was detected. The variant has not been reported in the 1000 genomes, gnomAD (v3.1), gnomdAD (v2.1), topmed databases. The in-silico prediction of the variant is damaging by SIFT. The reference codon is conserved across species. In summary, the variant meets our criteria to be classified as variant of uncertain significance.

NM_001270.4(CHD1):c.1066G>T (p.Asp356Tyr)

Gene: CHD1 (chromodomain helicase DNA binding protein 1; minus strand). Cytogenetic location: 5q15.
Variant type: single nucleotide variant.
Coding change: c.1066G>T on transcript NM_001270.4 (MANE Select); coding-DNA position 1066, G replaced by T.
Protein change: p.Asp356Tyr; replaces aspartic acid 356 with tyrosine.
Molecular consequence: missense variant. On other transcripts: non-coding transcript variant (2).
Genome position (GRCh38, 1-based): chr5:98,899,499, C>A on the plus strand (G>T on the coding strand, the complement: CHD1 is on the minus strand). VCF-style: chr5-98899499-C-A. GRCh37 (hg19) VCF-style: chr5-98235203-C-A.
Other names: p.Asp356Tyr; c.1066G>T, p.Asp356Tyr (NM_001364113.3, NM_001376194.2); short protein forms D356Y.
Identifiers: ClinVar variation 3233438 (VCV003233438.2), dbSNP rs2479702020, ClinGen allele CA360520527.
Genomic context (GRCh38, chr5:98,899,499, plus strand): 5'-TTGAACTATTAAAAGAAGTATATGATATACAGCATACTTACCATCTTTTTGTTTCCTGAT[C>A]TTTTTTCTTATAATTATCCAATTTTTTCATTCCTCTAACATTCTGCTGCTTGAGGGTTTC-3'
Protein context (NP_001261.2, residues 346-366): MKKLDNYKKK[Asp356Tyr]QETKRWLKNA